The following is an entry in ClinVar:

NM_000350.3(ABCA4):c.1569del (p.Asp523fs)

Gene: ABCA4 (ATP binding cassette subfamily A member 4; minus strand). Cytogenetic location: 1p22.1.
Variant type: Deletion.
Coding change: c.1569del on transcript NM_000350.3 (MANE Select); coding-DNA position 1569, one base deleted (T; older notation c.1569delT).
Protein change: p.Asp523fs; shifts the reading frame from aspartic acid 523.
Molecular consequence: frameshift variant.
Genome position (GRCh38, 1-based): chr1:94,063,303, A deleted on the plus strand (T on the coding strand, the reverse complement: ABCA4 is on the minus strand). VCF-style (leftmost placement, unchanged base first): chr1-94063302-TA-T. GRCh37 (hg19) VCF-style: chr1-94528858-TA-T.
Other names: c.1569delT, p.Asp523Glufs (NM_001425324.1); short protein forms D523fs.
Identifiers: ClinVar variation 1451579 (VCV001451579.6), dbSNP rs2101079417, ClinGen allele CA2573132713.

ClinVar aggregate classification (germline): Pathogenic (1 of 4 stars; one submission).

Submission:

Labcorp Genetics (formerly Invitae), Labcorp
Classification: Pathogenic. Last evaluated: 2021-01-25. Review status: criteria provided, single submitter. Criteria: Invitae Variant Classification Sherloc (09022015). Collection method: clinical testing. Allele origin: germline.
Comment: For these reasons, this variant has been classified as Pathogenic. This variant has not been reported in the literature in individuals with ABCA4-related conditions. This variant is not present in population databases (ExAC no frequency). This sequence change creates a premature translational stop signal (p.Asp523Glufs*45) in the ABCA4 gene. It is expected to result in an absent or disrupted protein product. Loss-of-function variants in ABCA4 are known to be pathogenic (PMID: 10958761, 24938718, 25312043, 26780318).

Literature cited by the submitters: PubMed 10958761; PubMed 24938718; PubMed 25312043; PubMed 26780318.